The following is an entry in ClinVar:

NM_000179.3(MSH6):c.3147T>C (p.Ser1049=)

Gene: MSH6 (mutS homolog 6; plus strand). Cytogenetic location: 2p16.3.
Variant type: single nucleotide variant.
Coding change: c.3147T>C on transcript NM_000179.3 (MANE Select); coding-DNA position 3147, T replaced by C.
Protein change: p.Ser1049=; no amino-acid change (serine 1049 retained).
Molecular consequence: synonymous variant.
Genome position (GRCh38, 1-based): chr2:47,801,130, T>C. VCF-style: chr2-47801130-T-C. GRCh37 (hg19) VCF-style: chr2-48028269-T-C.
Other names: c.2757T>C, p.Ser919= (NM_001281492.2); c.2241T>C, p.Ser747= (NM_001281493.2, NM_001281494.2).
Identifiers: ClinVar variation 1087163 (VCV001087163.10), dbSNP rs771340595, ClinGen allele CA426122034.

ClinVar aggregate classification (germline): Benign/Likely benign. Review status: criteria provided, multiple submitters, no conflicts (2 of 4 stars). 2 submissions from 2 submitters: Benign (1); Likely benign (1). Last evaluated 2025-02-04.

Conditions:
Hereditary nonpolyposis colorectal neoplasms. Identifiers: MedGen C0009405, MeSH D003123.
Lynch syndrome 5 (LYNCH5). Also called: Hereditary non-polyposis colorectal cancer, type 5; Colorectal cancer, hereditary nonpolyposis, type 5. Identifiers: Orphanet 144, MedGen C1833477, MONDO:0013710, OMIM 614350. Disease mechanism: loss of function.

Submissions (2):

Labcorp Genetics (formerly Invitae), Labcorp
Classification: Likely benign for Hereditary nonpolyposis colorectal neoplasms. Last evaluated: 2025-02-04. Review status: criteria provided, single submitter. Criteria: Invitae Variant Classification Sherloc (09022015). Collection method: clinical testing. Allele origin: germline.

Myriad Genetics, Inc.
Classification: Benign for Lynch syndrome 5. Last evaluated: 2025-01-03. Review status: criteria provided, single submitter. Criteria: Myriad Autosomal Dominant, Autosomal Recessive and X-Linked Classification Criteria (2023). Collection method: clinical testing. Allele origin: unknown.
Comment: This variant is considered benign. This variant is a silent/synonymous amino acid change and it is not expected to impact splicing.